The following is an entry in ClinVar:

NM_000522.5(HOXA13):c.622G>C (p.Asp208His)

Genes: HOXA13 (homeobox A13; minus strand), LOC107126288 (NUP98-HOXA13 recombination region; plus strand). Cytogenetic location: 7p15.2.
Variant type: single nucleotide variant.
Coding change: c.622G>C on transcript NM_000522.5 (MANE Select); coding-DNA position 622, G replaced by C.
Protein change: p.Asp208His; replaces aspartic acid 208 with histidine.
Molecular consequence: missense variant.
Genome position (GRCh38, 1-based): chr7:27,199,456, C>G on the plus strand (G>C on the coding strand, the complement: HOXA13 is on the minus strand). VCF-style: chr7-27199456-C-G. GRCh37 (hg19) VCF-style: chr7-27239075-C-G.
Other names: short protein forms D208H.
Identifiers: ClinVar variation 3360712 (VCV003360712.1).
Genomic context (GRCh38, chr7:27,199,456, plus strand): 5'-ACTCCTTAGCGCGGGAGCTGAACTCCTCGGCAGCTGGGCCGGCGGTATCCATGTACTTGT[C>G]CGCGAAGGCGGCGGCGGCGGCGGCCGAGGCGGGCTGCGCGCACGACTTGATGGCGTTGGG-3'
Protein context (NP_000513.2, residues 198-218): ASAAAAAAFA[Asp208His]KYMDTAGPAA

ClinVar aggregate classification (germline): Uncertain significance (1 of 4 stars; one submission).

Submission:

GeneDx
Classification: Uncertain significance. Last evaluated: 2023-06-30. Review status: criteria provided, single submitter. Criteria: GeneDx Variant Classification Process June 2021. Collection method: clinical testing. Allele origin: germline. Affected: yes.
Comment: Not observed at significant frequency in large population cohorts (gnomAD); In silico analysis supports that this missense variant has a deleterious effect on protein structure/function; Has not been previously published as pathogenic or benign to our knowledge